The following is an entry in ClinVar:

NM_014991.6(WDFY3):c.9156G>A (p.Trp3052Ter)

Genes: WDFY3 (WD repeat and FYVE domain containing 3; minus strand), LOC126807101 (CDK7 strongly-dependent group 2 enhancer GRCh37_chr4:85612241-85613440; plus strand). Cytogenetic location: 4q21.23.
Variant type: single nucleotide variant.
Coding change: c.9156G>A on transcript NM_014991.6 (MANE Select); coding-DNA position 9156, G replaced by A.
Protein change: p.Trp3052Ter; replaces tryptophan 3052 with a stop codon.
Molecular consequence: nonsense.
Genome position (GRCh38, 1-based): chr4:84,691,679, C>T on the plus strand (G>A on the coding strand, the complement: WDFY3 is on the minus strand). VCF-style: chr4-84691679-C-T. GRCh37 (hg19) VCF-style: chr4-85612832-C-T.
Other names: short protein forms W3052*.
Identifiers: ClinVar variation 3393377 (VCV003393377.2).

ClinVar aggregate classification (germline): Likely pathogenic (0 of 4 stars; one submission).

Conditions:
Macrocephaly-autism syndrome. Also called: Macrocephaly/autism syndrome. Identifiers: Orphanet 210548, MedGen C1854416, MONDO:0011537, OMIM 605309. Disease mechanism: loss of function.

Submission:

Genetica Medica Lab, Tor Vergata University of Rome
Classification: Likely pathogenic for Macrocephaly/autism syndrome. Last evaluated: 2024-10-17. Review status: no assertion criteria provided. Collection method: clinical testing. Allele origin: paternal. Affected: yes.
Comment: The NM_014991.6:c.9156G>A is a nonsense variant in WDFY3 which is predicted to cause NMD. Loss-of-function is a known mechanism of disease (gene has 45 reported pathogenic LOF variants). The exon affects 2 functional domains: UniProt protein WDFY3_HUMAN region of interest 'Interaction with ATG5' and UniProt protein WDFY3_HUMAN region of interest 'Interaction with SQSTM1'. The truncated region contains 6 pathogenic variants (PVS1). This variant was not found in gnomAD genomes, good gnomAD genomes coverage = 30, neither in gnomAD exomes, good gnomAD exomes coverage = 69.4 (PM2). In summary, this variant meets criteria to be classified as likely pathogenic based on the ACMG/AMP criteria applied (PMID: 32720330).

Publications: PMID:39614649

Literature cited by the submitters: PubMed 32720330.